The following is an entry in ClinVar:

NM_001735.3(C5):c.4168del (p.His1390fs)

Gene: C5 (complement C5; minus strand). Cytogenetic location: 9q33.2.
Variant type: Deletion.
Coding change: c.4168del on transcript NM_001735.3 (MANE Select); coding-DNA position 4168, one base deleted (C; older notation c.4168delC).
Protein change: p.His1390fs; shifts the reading frame from histidine 1390.
Molecular consequence: frameshift variant.
Genome position (GRCh38, 1-based): chr9:120,969,113, G deleted on the plus strand (C on the coding strand, the reverse complement: C5 is on the minus strand); the first of 3 consecutive G bases (chr9:120,969,113-120,969,115); deleting any one gives the same sequence. VCF-style (leftmost placement, unchanged base first): chr9-120969112-TG-T. GRCh37 (hg19) VCF-style: chr9-123731390-TG-T.
Other names: c.4186del, p.His1396fs (NM_001317163.2); short protein forms H1390fs, H1396fs.
Identifiers: ClinVar variation 4724497 (VCV004724497.1).

ClinVar aggregate classification (germline): Pathogenic (1 of 4 stars; one submission).

Submission:

Labcorp Genetics (formerly Invitae), Labcorp
Classification: Pathogenic. Last evaluated: 2025-07-30. Review status: criteria provided, single submitter. Criteria: Invitae Variant Classification Sherloc (09022015). Collection method: clinical testing. Allele origin: germline.
Comment: This sequence change creates a premature translational stop signal (p.His1390Thrfs*13) in the C5 gene. It is expected to result in an absent or disrupted protein product. Loss-of-function variants in C5 are known to be pathogenic (PMID: 7730648, 19414197, 27026170). This variant is not present in population databases (gnomAD no frequency). This variant has not been reported in the literature in individuals affected with C5-related conditions. For these reasons, this variant has been classified as Pathogenic.

Literature cited by the submitters: PubMed 7730648; PubMed 19414197; PubMed 27026170.